The following is an entry in ClinVar:

NM_020708.5(SLC12A5):c.1921T>C (p.Trp641Arg)

Gene: SLC12A5 (solute carrier family 12 member 5; plus strand). Cytogenetic location: 20q13.12.
Variant type: single nucleotide variant.
Coding change: c.1921T>C on transcript NM_020708.5 (MANE Select); coding-DNA position 1921, T replaced by C.
Protein change: p.Trp641Arg; replaces tryptophan 641 with arginine.
Molecular consequence: missense variant.
Genome position (GRCh38, 1-based): chr20:46,047,994, T>C. VCF-style: chr20-46047994-T-C. GRCh37 (hg19) VCF-style: chr20-44676633-T-C.
Other names: c.1990T>C, p.Trp664Arg (NM_001134771.2); short protein forms W641R, W664R.
Identifiers: ClinVar variation 1011737 (VCV001011737.9), dbSNP rs2084611541, ClinGen allele CA409200134.

ClinVar aggregate classification (germline): Uncertain significance (1 of 4 stars; one submission).

Conditions:
Developmental and epileptic encephalopathy, 34 (DEE34). Also called: SLC12A5-Related Epilepsy of Infancy with Migrating Focal Seizures; Early infantile epileptic encephalopathy 34. Identifiers: Orphanet 293181, MedGen C4225257, MONDO:0014718, OMIM 616645.

Submission:

Labcorp Genetics (formerly Invitae), Labcorp
Classification: Uncertain significance for Developmental and epileptic encephalopathy, 34. Last evaluated: 2020-10-10. Review status: criteria provided, single submitter. Criteria: Invitae Variant Classification Sherloc (09022015). Collection method: clinical testing. Allele origin: germline.
Comment: This variant has not been reported in the literature in individuals with SLC12A5-related conditions. In summary, the available evidence is currently insufficient to determine the role of this variant in disease. Therefore, it has been classified as a Variant of Uncertain Significance. Advanced modeling of protein sequence and biophysical properties (such as structural, functional, and spatial information, amino acid conservation, physicochemical variation, residue mobility, and thermodynamic stability) performed at Invitae indicates that this missense variant is expected to disrupt SLC12A5 protein function. This variant is not present in population databases (ExAC no frequency). This sequence change replaces tryptophan with arginine at codon 641 of the SLC12A5 protein (p.Trp641Arg). The tryptophan residue is highly conserved and there is a moderate physicochemical difference between tryptophan and arginine.